The following continues an entry in ClinVar:

NM_007294.4(BRCA1):c.2989_2990dup (p.Asn997fs)

Gene: BRCA1. ClinVar aggregate classification (germline): Pathogenic. Pathogenic (1).

Submissions 11 to 22 of 22:

Women's Health and Genetics/Laboratory Corporation of America, LabCorp
Classification: Pathogenic for Hereditary breast ovarian cancer syndrome. Last evaluated: 2022-07-25. Review status: criteria provided, single submitter. Criteria: LabCorp Variant Classification Summary - May 2015. Collection method: clinical testing. Allele origin: germline. Not counted in ClinVar's aggregate classification.
Comment: Variant summary: BRCA1 c.2989_2990dupAA (p.Asn997LysfsX4) results in a premature termination codon, predicted to cause a truncation of the encoded protein or absence of the protein due to nonsense mediated decay, which are commonly known mechanisms for disease. Truncations downstream of this position have been classified as pathogenic by our laboratory. The variant was absent in 250578 control chromosomes (gnomAD). c.2989_2990dupAA (also known as c.2990_2991insAA) has been reported in the literature in multiple individuals affected with Hereditary Breast And/or Ovarian Cancer (examples: Rebbeck_2018 and Rush_2020) and the variant segregated with disease. These data indicate that the variant is very likely to be associated with disease. Ten submitters including an expert (ENIGMA) panel have submitted clinical-significance assessments for this variant to ClinVar after 2014 and all classified the variant as pathogenic. Based on the evidence outlined above, the variant was classified as pathogenic.

Human Genome Sequencing Center Clinical Lab, Baylor College of Medicine
Classification: Pathogenic for Breast-ovarian cancer, familial, susceptibility to, 1. Last evaluated: 2017-05-25. Review status: criteria provided, single submitter. Criteria: ACMG Guidelines, 2015. Collection method: clinical testing. Allele origin: germline. Not counted in ClinVar's aggregate classification.
Comment: The c.2989_2990dup (p.Asn997Lysfs*4) variant in the BRCA1 gene has been detected multiple patients with breast cancer and/or ovarian cancer [PMID 9150151, 24504028]. This variant is considered a founder mutation among the Dutch and Belgium populations [PMID 9150151]. This 2 bp duplication in exon 10 results in a frameshift and the creation of a premature stop codon. This variant is thus predicted to result in a loss of function of the protein. This variant has not been detected in the ExAC database. This variant thus classified as pathogenic.

Consortium of Investigators of Modifiers of BRCA1/2 (CIMBA), c/o University of Cambridge
Classification: Pathogenic for Breast-ovarian cancer, familial, susceptibility to, 1. Last evaluated: 2015-10-02. Review status: criteria provided, single submitter. Criteria: CIMBA Mutation Classification guidelines May 2016. Collection method: clinical testing. Allele origin: germline. Not counted in ClinVar's aggregate classification.

Clinical Genetics DNA and cytogenetics Diagnostics Lab, Erasmus MC, Erasmus Medical Center
Classification: Pathogenic for Breast-ovarian cancer, familial, susceptibility to, 1. Last evaluated: 2015-09-21. Review status: criteria provided, single submitter. Criteria: ACGS Guidelines, 2013. Collection method: clinical testing. Allele origin: germline. Affected: yes. Study: VKGL Data-share Consensus. Not counted in ClinVar's aggregate classification.

GeneDx
Classification: Pathogenic. Last evaluated: 2015-06-10. Review status: criteria provided, single submitter. Criteria: GeneDx Variant Classification (06012015). Collection method: clinical testing. Allele origin: germline. Affected: yes. Not counted in ClinVar's aggregate classification.
Comment: This duplication of 2 nucleotides in BRCA1 is denoted c.2989_2990dupAA at the cDNA level and p.Asn997LysfsX4 (N997KfsX4) at the protein level. The normal sequence, with the bases that are duplicated in braces, is GAAA[AA]TCTG. The duplication causes a frameshift, which changes an Asparagine to a Lysine at codon 997, and creates a premature stop codon at position 4 of the new reading frame. This variant is predicted to cause loss of normal protein function through either protein truncation or nonsense-mediated mRNA decay. BRCA1 c.2989_2990dupAA, also reported as BRCA1 c.2990_2991insAA, 3108insAA, 3108_3109dupAA, or 3109insAA using alternate nomenclature, has been reported in families with multiple cases of breast and/or ovarian cancer and individuals with epithelial ovarian or fallopian tube cancers (Peelen 1997, Norquist 2010, Song 2014, Cunningham 2014). We consider this variant to be pathogenic.

Department of Medical Genetics, Oslo University Hospital
Classification: Pathogenic for Breast-ovarian cancer, familial, susceptibility to, 1. Last evaluated: 2015-03-30. Review status: criteria provided, single submitter. Criteria: ACMG Guidelines, 2015. Collection method: clinical testing. Allele origin: germline. Affected: yes. Observed: 5 variant alleles. Not counted in ClinVar's aggregate classification.

Genome Diagnostics Laboratory, University Medical Center Utrecht
Classification: Pathogenic for Breast-ovarian cancer, familial, susceptibility to, 1. Last evaluated: 2014-10-10. Review status: criteria provided, single submitter. Criteria: ACGS Guidelines, 2013. Collection method: clinical testing. Allele origin: germline. Affected: yes. Study: VKGL Data-share Consensus. Not counted in ClinVar's aggregate classification.

Research Molecular Genetics Laboratory, Women's College Hospital, University of Toronto
Classification: Pathogenic for Hereditary breast ovarian cancer syndrome. Last evaluated: 2014-01-31. Review status: no assertion criteria provided. Collection method: research. Allele origin: germline. Affected: yes. Study: The Canadian Open Genetics Repository (COGR). Not counted in ClinVar's aggregate classification.

Sharing Clinical Reports Project (SCRP)
Classification: Pathogenic for Breast-ovarian cancer, familial 1. Last evaluated: 2010-08-17. Review status: no assertion criteria provided. Collection method: clinical testing. Allele origin: germline. Not counted in ClinVar's aggregate classification.

Breast Cancer Information Core (BIC) (BRCA1)
Classification: Pathogenic for Breast-ovarian cancer, familial 1. Last evaluated: 2004-02-20. Review status: no assertion criteria provided. Collection method: clinical testing. Allele origin: germline. Affected: yes. Observed: 17 variant alleles. Not counted in ClinVar's aggregate classification.

Clinical Genetics Laboratory, Department of Pathology, Netherlands Cancer Institute
Classification: Pathogenic. Review status: no assertion criteria provided. Collection method: clinical testing. Allele origin: germline. Affected: yes. Study: VKGL Data-share Consensus. Not counted in ClinVar's aggregate classification.

Diagnostic Laboratory, Department of Genetics, University Medical Center Groningen
Classification: Pathogenic for Breast-ovarian cancer, familial, susceptibility to, 1. Review status: no assertion criteria provided. Collection method: clinical testing. Allele origin: germline. Affected: yes. Study: VKGL Data-share Consensus. Not counted in ClinVar's aggregate classification.

Literature cited by the submitters: PubMed 24728189 (cited by 5 submitters); PubMed 32199636 (cited by 4 submitters); PubMed 9150151 (cited by 5 submitters); PubMed 10188893 (cited by 4 submitters); PubMed 16287141 (cited by 4 submitters); PubMed 16683254 (cited by 4 submitters); PubMed 24504028 (cited by 4 submitters); PubMed 29339979 (cited by 3 submitters); PubMed 20104584 (cited by Labcorp Genetics (formerly Invitae), Labcorp); PubMed 20665887 (cited by Ambry Genetics); PubMed 29446198 (cited by Quest Diagnostics Nichols Institute San Juan Capistrano and Women's Health and Genetics/Laboratory Corporation of America, LabCorp); PubMed 34697415 (cited by Quest Diagnostics Nichols Institute San Juan Capistrano); PubMed 31447099 (cited by Quest Diagnostics Nichols Institute San Juan Capistrano); PubMed 31492746 (cited by Quest Diagnostics Nichols Institute San Juan Capistrano).